The following is an entry in ClinVar:

ClinVar aggregate classification (germline): Uncertain significance (1 of 4 stars; one submission).

Conditions:
Inborn genetic diseases. Identifiers: MedGen C0950123, MeSH D030342.

gnomAD v4.1: 4 of 1,613,934 alleles (0.00025%); highest among the groups gnomAD compares: Non-Finnish European, 0.00034%; no homozygotes.

Submission:

Ambry Genetics
Classification: Uncertain significance for Inborn genetic diseases. Last evaluated: 2024-12-15. Review status: criteria provided, single submitter. Criteria: Ambry Variant Classification Scheme 2023. Collection method: clinical testing. Allele origin: germline.
Comment: The p.M480K variant (also known as c.1439T>A), located in coding exon 1 of the SAMD9L gene, results from a T to A substitution at nucleotide position 1439. The methionine at codon 480 is replaced by lysine, an amino acid with similar properties. This amino acid position is conserved. In addition, this alteration is predicted to be tolerated by in silico analysis. Based on the available evidence, the clinical significance of this variant remains unclear.

NM_152703.5(SAMD9L):c.1439T>A (p.Met480Lys)

Gene: SAMD9L (sterile alpha motif domain containing 9 like; minus strand). Cytogenetic location: 7q21.2.
Variant type: single nucleotide variant.
Coding change: c.1439T>A on transcript NM_152703.5 (MANE Select); coding-DNA position 1439, T replaced by A.
Protein change: p.Met480Lys; replaces methionine 480 with lysine.
Molecular consequence: missense variant.
Genome position (GRCh38, 1-based): chr7:93,134,533, A>T on the plus strand (T>A on the coding strand, the complement: SAMD9L is on the minus strand). VCF-style: chr7-93134533-A-T. GRCh37 (hg19) VCF-style: chr7-92763846-A-T.
Other names: c.1439T>A, p.Met480Lys (NM_001303496.3, NM_001303497.3, NM_001303498.3 and 5 more transcripts); short protein forms M480K.
Identifiers: ClinVar variation 3792215 (VCV003792215.1).